The following is an entry in ClinVar:

NM_000152.5(GAA):c.1308del (p.Arg437fs)

Gene: GAA (alpha glucosidase; plus strand). Cytogenetic location: 17q25.3.
Variant type: Deletion.
Coding change: c.1308del on transcript NM_000152.5 (MANE Select); coding-DNA position 1308, one base deleted (G; older notation c.1308delG).
Protein change: p.Arg437fs; shifts the reading frame from arginine 437.
Molecular consequence: frameshift variant.
Genome position (GRCh38, 1-based): chr17:80,108,810, G deleted; the last of 2 consecutive G bases (chr17:80,108,809-80,108,810); deleting either gives the same sequence. VCF-style (leftmost placement, unchanged base first): chr17-80108808-CG-C. GRCh37 (hg19) VCF-style: chr17-78082607-CG-C.
Other names: c.1308del, p.Arg437fs (NM_001079803.3, NM_001079804.3); short protein forms R437fs.
Identifiers: ClinVar variation 1076447 (VCV001076447.7), dbSNP rs2143858305, ClinGen allele CA2499225008.

ClinVar aggregate classification (germline): Pathogenic (1 of 4 stars; one submission).

Conditions:
Glycogen storage disease, type II (IOPD). Also called: Glucosidase acid-1,4-alpha deficiency; Pompe Disease; GAA DEFICIENCY, INFANTILE-ONSET; ACID MALTASE DEFICIENCY, INFANTILE-ONSET; POMPE DISEASE, INFANTILE-ONSET; GLYCOGEN STORAGE DISEASE II, INFANTILE-ONSET. Identifiers: Orphanet 365, MedGen C0017921, MONDO:0009290, OMIM 232300.

Submission:

Labcorp Genetics (formerly Invitae), Labcorp
Classification: Pathogenic for Glycogen storage disease, type II. Last evaluated: 2025-03-18. Review status: criteria provided, single submitter. Criteria: Invitae Variant Classification Sherloc (09022015). Collection method: clinical testing. Allele origin: germline.
Comment: This sequence change creates a premature translational stop signal (p.Arg437Alafs*3) in the GAA gene. It is expected to result in an absent or disrupted protein product. Loss-of-function variants in GAA are known to be pathogenic (PMID: 18425781, 22252923). This variant is not present in population databases (gnomAD no frequency). This variant has not been reported in the literature in individuals affected with GAA-related conditions. ClinVar contains an entry for this variant (Variation ID: 1076447). For these reasons, this variant has been classified as Pathogenic.

Literature cited by the submitters: PubMed 18425781; PubMed 22252923.